The following is an entry in ClinVar:

ClinVar aggregate classification (germline): Uncertain significance (1 of 4 stars; one submission).

Conditions:
Coffin-Siris syndrome 1 (CSS1). Also called: Mental retardation, autosomal dominant 12; ARID1B-Related Coffin-Siris Syndrome. Identifiers: Orphanet 1465, MedGen C3281201, MONDO:0007617, OMIM 135900. Disease mechanism: gain of function.

Submission:

Centre for Mendelian Genomics, University Medical Centre Ljubljana
Classification: Uncertain significance for Coffin-Siris syndrome 1. Last evaluated: 2019-08-08. Review status: criteria provided, single submitter. Criteria: ACMG Guidelines, 2015. Collection method: clinical testing. Allele origin: unknown. Affected: yes.
Comment: This variant was classified as: Uncertain significance. The available evidence on this variant's pathogenicity is insufficient or conflicting. The following ACMG criteria were applied in classifying this variant: PM2,BP1.

NM_001374828.1(ARID1B):c.6592G>T (p.Val2198Phe)

Gene: ARID1B (AT-rich interaction domain 1B; plus strand). Cytogenetic location: 6q25.3.
Variant type: single nucleotide variant.
Coding change: c.6592G>T on transcript NM_001374828.1 (MANE Select); coding-DNA position 6592, G replaced by T.
Protein change: p.Val2198Phe; replaces valine 2198 with phenylalanine.
Molecular consequence: missense variant.
Genome position (GRCh38, 1-based): chr6:157,207,364, G>T. VCF-style: chr6-157207364-G-T. GRCh37 (hg19) VCF-style: chr6-157528498-G-T.
Other names: c.4093G>T, p.Val1365Phe (NM_001363725.2); c.6472G>T, p.Val2158Phe (NM_001371656.1, NM_001374820.1); c.6433G>T, p.Val2145Phe (NM_017519.3); c.6223G>T (NM_020732.3); short protein forms V1365F, V2145F, V2198F, V2158F.
Identifiers: ClinVar variation 932092 (VCV000932092.3), dbSNP rs1794548648, ClinGen allele CA366248623.